The following is an entry in ClinVar:

NM_003072.5(SMARCA4):c.2717G>A (p.Arg906His)

Gene: SMARCA4 (SWI/SNF related BAF chromatin remodeling complex subunit ATPase 4; plus strand). Cytogenetic location: 19p13.2.
Variant type: single nucleotide variant.
Coding change: c.2717G>A on transcript NM_003072.5 (MANE Select); coding-DNA position 2717, G replaced by A.
Protein change: p.Arg906His; replaces arginine 906 with histidine.
Molecular consequence: missense variant. On other transcripts: non-coding transcript variant (1).
Genome position (GRCh38, 1-based): chr19:11,021,825, G>A. VCF-style: chr19-11021825-G-A. GRCh37 (hg19) VCF-style: chr19-11132501-G-A.
Other names: c.2717G>A, p.Arg906His (NM_001128844.3, NM_001128845.2, NM_001128846.2 and 5 more transcripts); c.2717G>A (NM_003072.3); short protein forms R906H.
Identifiers: ClinVar variation 1695880 (VCV001695880.9), dbSNP rs2089896271, ClinGen allele CA404056165.

ClinVar aggregate classification (germline): Uncertain significance. Review status: criteria provided, multiple submitters, no conflicts (2 of 4 stars). 4 submissions from 4 submitters: Uncertain significance (4). Last evaluated 2025-06-10.

Conditions:
Hereditary cancer-predisposing syndrome. Also called: Hereditary neoplastic syndrome; Tumor predisposition; Neoplastic Syndromes, Hereditary; Hereditary Cancer Syndrome. Identifiers: Orphanet 140162, MedGen C0027672, MeSH D009386, MONDO:0015356.
Rhabdoid tumor predisposition syndrome 2 (RTPS2). Identifiers: Orphanet 231108, Orphanet 69077, MedGen C2750074, MONDO:0013224, OMIM 613325.

gnomAD v4.1: 1 of 1,613,602 alleles (0.000062%); highest among the groups gnomAD compares: Non-Finnish European, 0.000085%; no homozygotes.

Submissions (4):

Ambry Genetics
Classification: Uncertain significance for Hereditary cancer-predisposing syndrome. Last evaluated: 2025-06-10. Review status: criteria provided, single submitter. Criteria: Ambry Variant Classification Scheme 2023. Collection method: clinical testing. Allele origin: germline.
Comment: The p.R906H variant (also known as c.2717G>A), located in coding exon 18 of the SMARCA4 gene, results from a G to A substitution at nucleotide position 2717. The arginine at codon 906 is replaced by histidine, an amino acid with highly similar properties. This amino acid position is highly conserved in available vertebrate species. In addition, this alteration is predicted to be deleterious by in silico analysis. Based on the available evidence, the clinical significance of this alteration remains unclear.

Molecular Pathology, Peter Maccallum Cancer Centre
Classification: Uncertain significance for Rhabdoid tumor predisposition syndrome 2. Last evaluated: 2025-02-26. Review status: criteria provided, single submitter. Criteria: ACMG Guidelines, 2015. Collection method: clinical testing. Allele origin: germline. Inheritance: Autosomal dominant inheritance.

Labcorp Genetics (formerly Invitae), Labcorp
Classification: Uncertain significance for Rhabdoid tumor predisposition syndrome 2. Last evaluated: 2023-04-01. Review status: criteria provided, single submitter. Criteria: Invitae Variant Classification Sherloc (09022015). Collection method: clinical testing. Allele origin: germline.
Comment: ClinVar contains an entry for this variant (Variation ID: 1695880). In summary, the available evidence is currently insufficient to determine the role of this variant in disease. Therefore, it has been classified as a Variant of Uncertain Significance. Advanced modeling of protein sequence and biophysical properties (such as structural, functional, and spatial information, amino acid conservation, physicochemical variation, residue mobility, and thermodynamic stability) performed at Invitae indicates that this missense variant is expected to disrupt SMARCA4 protein function. This variant has not been reported in the literature in individuals affected with SMARCA4-related conditions. This variant is not present in population databases (gnomAD no frequency). This sequence change replaces arginine, which is basic and polar, with histidine, which is basic and polar, at codon 906 of the SMARCA4 protein (p.Arg906His).

GeneDx
Classification: Uncertain significance. Last evaluated: 2021-12-17. Review status: criteria provided, single submitter. Criteria: GeneDx Variant Classification Process June 2021. Collection method: clinical testing. Allele origin: germline. Affected: yes.
Comment: Not observed at significant frequency in large population cohorts (gnomAD); In silico analysis supports that this missense variant has a deleterious effect on protein structure/function; Has not been previously published as pathogenic or benign to our knowledge; This variant is associated with the following publications: (PMID: 29992558, 24658002)